The following is an entry in ClinVar:

NM_001148.6(ANK2):c.11119G>A (p.Asp3707Asn)

Gene: ANK2 (ankyrin 2; plus strand). Cytogenetic location: 4q26.
Variant type: single nucleotide variant.
Coding change: c.11119G>A on transcript NM_001148.6 (MANE Select); coding-DNA position 11119, G replaced by A.
Protein change: p.Asp3707Asn; replaces aspartic acid 3707 with asparagine.
Molecular consequence: missense variant.
Genome position (GRCh38, 1-based): chr4:113,367,652, G>A. VCF-style: chr4-113367652-G-A. GRCh37 (hg19) VCF-style: chr4-114288808-G-A.
Other names: p.D3707N:GAT>AAT; c.4837G>A, p.Asp1613Asn (NM_001127493.3); c.4876G>A, p.Asp1626Asn (NM_001354225.2); c.4765G>A, p.Asp1589Asn (NM_001354228.2, NM_001354258.2); c.4843G>A, p.Asp1615Asn (NM_001354230.2); c.4906G>A, p.Asp1636Asn (NM_001354231.2, NM_001354242.2); c.4900G>A, p.Asp1634Asn (NM_001354232.2); c.4861G>A, p.Asp1621Asn (NM_001354235.2, NM_001354246.2, NM_001354265.2); and 36 more; short protein forms D1613N, D3707N, D1535N, D1556N, D1560N, D1567N, D1636N, D805N.
Identifiers: ClinVar variation 190577 (VCV000190577.52), dbSNP rs199549660, ClinGen allele CA235660.

ClinVar aggregate classification (germline): Conflicting classifications of pathogenicity. Review status: criteria provided, conflicting classifications (1 of 4 stars). 11 submissions from 11 submitters: Uncertain significance (4); Benign (2); Likely benign (4). 1 of the submissions does not count toward it. Last evaluated 2025-12-02.

Conditions:
Cardiovascular phenotype. Identifiers: MedGen CN230736.
ANK2-related disorder. Also called: ANK2-related condition.
Long QT syndrome (LQTS). Identifiers: MedGen C0023976, MeSH D008133, MONDO:0002442. Disease mechanism: loss of function. Inheritance: Various modes of inheritance.
Cardiac arrhythmia, ankyrin-B-related. Also called: ANKYRIN-B SYNDROME. Identifiers: Orphanet 101016, Orphanet 768, MedGen C1970119, MONDO:0010958, OMIM 600919.
Supraventricular tachycardia. Identifiers: MedGen C0039240, HP:0004755.

Allele frequency attached by ClinVar (database versions not stated): ESP Exome Variant Server 0.00008; gnomAD 0.00013 and 0.00018; TOPMed 0.00024; gnomAD exomes 0.00030 and 0.00033; 1000 Genomes Project 30x 0.00031; ExAC 0.00035; 1000 Genomes Project 0.00040.
gnomAD v4.1: 479 of 1,613,770 alleles (0.03%); highest among the groups gnomAD compares: South Asian, 0.16%; 2 homozygotes.

Submissions (11):

Labcorp Genetics (formerly Invitae), Labcorp
Classification: Likely benign for Long QT syndrome. Last evaluated: 2025-12-02. Review status: criteria provided, single submitter. Criteria: Invitae Variant Classification Sherloc (09022015). Collection method: clinical testing. Allele origin: germline.

CeGaT Center for Human Genetics Tuebingen
Classification: Benign. Last evaluated: 2024-10-01. Review status: criteria provided, single submitter. Criteria: CeGaT Center For Human Genetics Tuebingen Variant Classification Criteria Version 2. Collection method: clinical testing. Allele origin: germline. Affected: yes. Observed: 2 variant alleles.
Comment: ANK2: BP4, BS1, BS2

Blueprint Genetics
Classification: Likely benign. Last evaluated: 2024-09-23. Review status: criteria provided, single submitter. Criteria: ACMG Guidelines, 2015. Collection method: clinical testing. Allele origin: germline.

Dept of Medical Biology, Uskudar University
Classification: Uncertain significance for Long QT syndrome. Last evaluated: 2024-01-08. Review status: criteria provided, single submitter. Criteria: Dept of Medical Biology Variant Classification. Collection method: research. Allele origin: paternal. Affected: yes. Observed: 1 variant allele.
Comment: Criteria: BS1, PP3

Women's Health and Genetics/Laboratory Corporation of America, LabCorp
Classification: Benign. Last evaluated: 2020-10-26. Review status: criteria provided, single submitter. Criteria: LabCorp Variant Classification Summary - May 2015. Collection method: clinical testing. Allele origin: germline.
Comment: Variant summary: ANK2 c.11119G>A (p.Asp3707Asn) results in a conservative amino acid change in the encoded protein sequence. Five of five in-silico tools predict a benign effect of the variant on protein function. The variant allele was found at a frequency of 0.00033 in 251152 control chromosomes, predominantly at a frequency of 0.0017 within the South Asian subpopulation in the gnomAD database. The observed variant frequency within South Asian control individuals in the gnomAD database is approximately 255 fold of the estimated maximal expected allele frequency for a pathogenic variant in ANK2 causing Long QT Syndrome phenotype (6.7e-06), strongly suggesting that the variant is a benign polymorphism found primarily in populations of South Asian origin. To our knowledge, no experimental evidence demonstrating an impact on protein function has been reported. One co-occurrence with another pathogenic variant has been internally reported (SCN5A c.5443_5446delTCTG, p.Ser1815ThrfsX18), providing supporting evidence for a benign role. Four ClinVar submitters (evaluation after 2014) cite the variant as uncertain significance (2x) and likely benign (2x). Based on the evidence outlined above, the variant was classified as benign.

Ambry Genetics
Classification: Likely benign for Cardiovascular phenotype. Last evaluated: 2020-02-24. Review status: criteria provided, single submitter. Criteria: Ambry Variant Classification Scheme 2023. Collection method: clinical testing. Allele origin: germline.

GeneDx
Classification: Uncertain significance. Last evaluated: 2020-02-03. Review status: criteria provided, single submitter. Criteria: GeneDx Variant Classification Process June 2021. Collection method: clinical testing. Allele origin: germline. Affected: yes.
Comment: In silico analysis supports that this missense variant has a deleterious effect on protein structure/function; This variant is associated with the following publications: (PMID: 27871843, 23861362, 30564305)

Center for Advanced Laboratory Medicine, UC San Diego Health, University of California San Diego
Classification: Uncertain significance for Supraventricular tachycardia. Last evaluated: 2017-10-02. Review status: criteria provided, single submitter. Criteria: ACMG Guidelines, 2015. Collection method: clinical testing. Allele origin: germline. Affected: yes. Observed: 1 variant allele.

Illumina Laboratory Services, Illumina
Classification: Likely benign for Cardiac arrhythmia, ankyrin-B-related. Last evaluated: 2017-04-27. Review status: criteria provided, single submitter. Criteria: ICSL Variant Classification Criteria 13 December 2019. Collection method: clinical testing. Allele origin: germline.
Comment: This variant was observed as part of a predisposition screen in an ostensibly healthy population. A literature search was performed for the gene, cDNA change, and amino acid change (where applicable). No publications were found based on this search. Allele frequency data from public databases allowed determination this variant is unlikely to cause disease. Therefore, this variant is classified as likely benign.

Biesecker Lab/Clinical Genomics Section, National Institutes of Health
Classification: Uncertain significance. Last evaluated: 2013-06-24. Review status: criteria provided, single submitter. Criteria: Ng et al. (Circ Cardiovasc Genet. 2013). Collection method: research. Allele origin: unknown. Observed: 1 variant allele. Study: ClinSeq.
Comment: The study set was not selected for affection status in relation to any cancer. Pathogenicity categories were based on literature curation. See Pubmed ID:23861362 for details.

Medical sequencing

PreventionGenetics, part of Exact Sciences
Classification: Likely benign for ANK2-related condition. Last evaluated: 2023-02-01. Review status: no assertion criteria provided. Collection method: clinical testing. Allele origin: germline. Not counted in ClinVar's aggregate classification.
Comment: This variant is classified as likely benign based on ACMG/AMP sequence variant interpretation guidelines (Richards et al. 2015 PMID: 25741868, with internal and published modifications).

Literature cited by the submitters: PubMed 23861362 (cited by Ambry Genetics); PubMed 27871843 (cited by Ambry Genetics).